The following is an entry in ClinVar:

NM_001252024.2(TRPM1):c.2998A>T (p.Met1000Leu)

Genes: TRPM1 (transient receptor potential cation channel subfamily M member 1; minus strand), TRPM1-AS1 (TRPM1 antisense RNA 1; plus strand). Cytogenetic location: 15q13.3.
Variant type: single nucleotide variant.
Coding change: c.2998A>T on transcript NM_001252024.2 (MANE Select); coding-DNA position 2998, A replaced by T.
Protein change: p.Met1000Leu; replaces methionine 1000 with leucine.
Molecular consequence: missense variant.
Genome position (GRCh38, 1-based): chr15:31,031,112, T>A on the plus strand (A>T on the coding strand, the complement: TRPM1 is on the minus strand). VCF-style: chr15-31031112-T-A. GRCh37 (hg19) VCF-style: chr15-31323315-T-A.
Other names: c.3049A>T, p.Met1017Leu (NM_001252020.2); c.2932A>T, p.Met978Leu (NM_002420.6); short protein forms M1000L, M1017L, M978L.
Identifiers: ClinVar variation 2120014 (VCV002120014.4), dbSNP rs1441476375, ClinGen allele CA391544914.

ClinVar aggregate classification (germline): Uncertain significance (1 of 4 stars; one submission).

Submission:

Labcorp Genetics (formerly Invitae), Labcorp
Classification: Uncertain significance. Last evaluated: 2022-03-31. Review status: criteria provided, single submitter. Criteria: Invitae Variant Classification Sherloc (09022015). Collection method: clinical testing. Allele origin: germline.
Comment: In summary, the available evidence is currently insufficient to determine the role of this variant in disease. Therefore, it has been classified as a Variant of Uncertain Significance. Algorithms developed to predict the effect of missense changes on protein structure and function (SIFT, PolyPhen-2, Align-GVGD) all suggest that this variant is likely to be tolerated. This variant has not been reported in the literature in individuals affected with TRPM1-related conditions. This variant is not present in population databases (gnomAD no frequency). This sequence change replaces methionine, which is neutral and non-polar, with leucine, which is neutral and non-polar, at codon 978 of the TRPM1 protein (p.Met978Leu).